The following is an entry in ClinVar:

ClinVar aggregate classification (germline): Uncertain significance (1 of 4 stars; one submission).

Conditions:
Charcot-Marie-Tooth disease type 2R. Also called: CHARCOT-MARIE-TOOTH DISEASE, AXONAL, AUTOSOMAL RECESSIVE, TYPE 2R; CHARCOT-MARIE-TOOTH NEUROPATHY, TYPE 2R; Charcot-Marie-Tooth disease, axonal, type 2R. Identifiers: Orphanet 397968, MedGen C3809655, MONDO:0014208, OMIM 615490.

Allele frequency attached by ClinVar (database versions not stated): ExAC 0.00001; gnomAD exomes 0.00001.
gnomAD v4.1: 5 of 1,613,122 alleles (0.00031%); highest among the groups gnomAD compares: Non-Finnish European, 0.00042%; no homozygotes.

Submission:

Labcorp Genetics (formerly Invitae), Labcorp
Classification: Uncertain significance for Charcot-Marie-Tooth disease type 2R. Last evaluated: 2021-09-20. Review status: criteria provided, single submitter. Criteria: Invitae Variant Classification Sherloc (09022015). Collection method: clinical testing. Allele origin: germline.
Comment: Algorithms developed to predict the effect of missense changes on protein structure and function (SIFT, PolyPhen-2, Align-GVGD) all suggest that this variant is likely to be disruptive. This variant has not been reported in the literature in individuals affected with TRIM2-related conditions. This variant is present in population databases (rs746187978, ExAC 0.002%). This sequence change replaces lysine with asparagine at codon 235 of the TRIM2 protein (p.Lys235Asn). The lysine residue is highly conserved and there is a moderate physicochemical difference between lysine and asparagine. In summary, the available evidence is currently insufficient to determine the role of this variant in disease. Therefore, it has been classified as a Variant of Uncertain Significance.

NM_015271.5(TRIM2):c.786A>C (p.Lys262Asn)

Gene: TRIM2 (tripartite motif containing 2; plus strand). Cytogenetic location: 4q31.3.
Variant type: single nucleotide variant.
Coding change: c.786A>C on transcript NM_015271.5 (MANE Select); coding-DNA position 786, A replaced by C.
Protein change: p.Lys262Asn; replaces lysine 262 with asparagine.
Molecular consequence: missense variant. On other transcripts: intron variant (4).
Genome position (GRCh38, 1-based): chr4:153,294,485, A>C. VCF-style: chr4-153294485-A-C. GRCh37 (hg19) VCF-style: chr4-154215637-A-C.
Other names: c.705A>C, p.Lys235Asn (NM_001130067.2, NM_001351056.2, NM_001375512.1 and 5 more transcripts); c.759A>C, p.Lys253Asn (NM_001351054.2); c.756A>C, p.Lys252Asn (NM_001351055.2); c.330A>C, p.Lys110Asn (NM_001351057.2); c.879A>C, p.Lys293Asn (NM_001375488.1); c.876A>C, p.Lys292Asn (NM_001375489.1); c.447A>C, p.Lys149Asn (NM_001375522.1, NM_001375523.1, NM_001375525.1); c.729+57A>C (NM_001375490.1); and 3 more; short protein forms K252N, K253N, K292N, K293N, K110N, K235N, K262N, K149N.
Identifiers: ClinVar variation 1412949 (VCV001412949.6), dbSNP rs746187978, ClinGen allele CA3108621.